The following is an entry in ClinVar:

NM_172364.5(CACNA2D4):c.2247G>T (p.Glu749Asp)

Gene: CACNA2D4 (calcium voltage-gated channel auxiliary subunit alpha2delta 4; minus strand). Cytogenetic location: 12p13.33.
Variant type: single nucleotide variant.
Coding change: c.2247G>T on transcript NM_172364.5 (MANE Select); coding-DNA position 2247, G replaced by T.
Protein change: p.Glu749Asp; replaces glutamic acid 749 with aspartic acid.
Molecular consequence: missense variant.
Genome position (GRCh38, 1-based): chr12:1,846,689, C>A on the plus strand (G>T on the coding strand, the complement: CACNA2D4 is on the minus strand). VCF-style: chr12-1846689-C-A. GRCh37 (hg19) VCF-style: chr12-1955855-C-A.
Other names: c.2247G>T (NM_172364.4); short protein forms E749D.
Identifiers: ClinVar variation 1525044 (VCV001525044.9), dbSNP rs1314490125, ClinGen allele CA383359772.

ClinVar aggregate classification (germline): Conflicting classifications of pathogenicity. Review status: criteria provided, conflicting classifications (1 of 4 stars). 2 submissions from 2 submitters: Uncertain significance (1); Likely benign (1). Last evaluated 2024-01-02.

Conditions:
Inborn genetic diseases. Identifiers: MedGen C0950123, MeSH D030342.

Allele frequency attached by ClinVar (database versions not stated): gnomAD exomes below 0.00001.
gnomAD v4.1: 5 of 1,593,918 alleles (0.00031%); highest among the groups gnomAD compares: African/African-American, 0.004%; no homozygotes.

Submissions (2):

Labcorp Genetics (formerly Invitae), Labcorp
Classification: Uncertain significance. Last evaluated: 2024-01-02. Review status: criteria provided, single submitter. Criteria: Invitae Variant Classification Sherloc (09022015). Collection method: clinical testing. Allele origin: germline.
Comment: This sequence change replaces glutamic acid, which is acidic and polar, with aspartic acid, which is acidic and polar, at codon 749 of the CACNA2D4 protein (p.Glu749Asp). The frequency data for this variant in the population databases is considered unreliable, as metrics indicate poor data quality at this position in the gnomAD database. This variant has not been reported in the literature in individuals affected with CACNA2D4-related conditions. ClinVar contains an entry for this variant (Variation ID: 1525044). Algorithms developed to predict the effect of missense changes on protein structure and function output the following: SIFT: "Not Available"; PolyPhen-2: "Benign"; Align-GVGD: "Not Available". The aspartic acid amino acid residue is found in multiple mammalian species, which suggests that this missense change does not adversely affect protein function. In summary, the available evidence is currently insufficient to determine the role of this variant in disease. Therefore, it has been classified as a Variant of Uncertain Significance.

Ambry Genetics
Classification: Likely benign for Inborn genetic diseases. Last evaluated: 2023-07-25. Review status: criteria provided, single submitter. Criteria: Ambry Variant Classification Scheme 2023. Collection method: clinical testing. Allele origin: germline.